The following is an entry in ClinVar:

ClinVar aggregate classification (germline): Uncertain significance. Review status: criteria provided, multiple submitters, no conflicts (2 of 4 stars). 2 submissions from 2 submitters: Uncertain significance (2). Last evaluated 2021-04-28.

Conditions:
Inborn genetic diseases. Identifiers: MedGen C0950123, MeSH D030342.
KBG syndrome (KBGS). Also called: ANKRD11-Related KBG Syndrome. Identifiers: Orphanet 2332, MedGen C0220687, MONDO:0007846, OMIM 148050.

Submissions (2):

Ambry Genetics
Classification: Uncertain significance for Inborn genetic diseases. Last evaluated: 2021-04-28. Review status: criteria provided, single submitter. Criteria: Ambry Variant Classification Scheme 2023. Collection method: clinical testing. Allele origin: germline.

Labcorp Genetics (formerly Invitae), Labcorp
Classification: Uncertain significance for KBG syndrome. Last evaluated: 2019-10-10. Review status: criteria provided, single submitter. Criteria: Invitae Variant Classification Sherloc (09022015). Collection method: clinical testing. Allele origin: germline.
Comment: In summary, the available evidence is currently insufficient to determine the role of this variant in disease. Therefore, it has been classified as a Variant of Uncertain Significance. Algorithms developed to predict the effect of missense changes on protein structure and function are either unavailable or do not agree on the potential impact of this missense change (SIFT: "Deleterious"; PolyPhen-2: "Probably Damaging"; Align-GVGD: "Class C0"). This variant has not been reported in the literature in individuals with ANKRD11-related conditions. This variant is not present in population databases (ExAC no frequency). This sequence change replaces asparagine with lysine at codon 210 of the ANKRD11 protein (p.Asn210Lys). The asparagine residue is highly conserved and there is a moderate physicochemical difference between asparagine and lysine.

NM_013275.6(ANKRD11):c.630C>G (p.Asn210Lys)

Gene: ANKRD11 (ankyrin repeat domain 11; minus strand). Cytogenetic location: 16q24.3.
Variant type: single nucleotide variant.
Coding change: c.630C>G on transcript NM_013275.6 (MANE Select); coding-DNA position 630, C replaced by G.
Protein change: p.Asn210Lys; replaces asparagine 210 with lysine.
Molecular consequence: missense variant. On other transcripts: non-coding transcript variant (1).
Genome position (GRCh38, 1-based): chr16:89,288,642, G>C on the plus strand (C>G on the coding strand, the complement: ANKRD11 is on the minus strand). VCF-style: chr16-89288642-G-C. GRCh37 (hg19) VCF-style: chr16-89355050-G-C.
Other names: c.630C>G, p.Asn210Lys (NM_001256182.2, NM_001256183.2); c.630C>G (NM_013275.4); short protein forms N210K.
Identifiers: ClinVar variation 965046 (VCV000965046.10), dbSNP rs2034818361, ClinGen allele CA397167021.
Genomic context (GRCh38, chr16:89,288,642, plus strand): 5'-CTTGGTGTTCACCTCCGCACCTGCAGCCAGCAGCTGCTTCGCGACGTCGTAGTAGCCCCG[G>C]TTACAGGCCTCGTGCAGCGCCGTCCAGCCTGGAAACAGACACTCAGGACGTACGTTATTT-3'
Protein context (NP_037407.4, residues 200-220): AGWTALHEAC[Asn210Lys]RGYYDVAKQL